The following is an entry in ClinVar:

ClinVar aggregate classification (germline): Uncertain significance (1 of 4 stars; one submission).

Conditions:
Gastrointestinal stromal tumor. Also called: Gastrointestinal stromal tumor, somatic; Gastrointestinal stroma tumor. Identifiers: Orphanet 44890, MedGen C0238198, MeSH D046152, MONDO:0011719, OMIM 606764, HP:0100723.

Submission:

Labcorp Genetics (formerly Invitae), Labcorp
Classification: Uncertain significance for Gastrointestinal stromal tumor. Last evaluated: 2019-11-25. Review status: criteria provided, single submitter. Criteria: Invitae Variant Classification Sherloc (09022015). Collection method: clinical testing. Allele origin: germline.
Comment: Algorithms developed to predict the effect of missense changes on protein structure and function (SIFT, PolyPhen-2, Align-GVGD) all suggest that this variant is likely to be tolerated, but these predictions have not been confirmed by published functional studies and their clinical significance is uncertain. This sequence change replaces valine with leucine at codon 429 of the KIT protein (p.Val429Leu). The valine residue is highly conserved and there is a small physicochemical difference between valine and leucine. This variant is not present in population databases (ExAC no frequency). This variant has not been reported in the literature in individuals with KIT-related conditions. In summary, the available evidence is currently insufficient to determine the role of this variant in disease. Therefore, it has been classified as a Variant of Uncertain Significance.

NM_000222.3(KIT):c.1285G>C (p.Val429Leu)

Gene: KIT (KIT proto-oncogene, receptor tyrosine kinase; plus strand). Cytogenetic location: 4q12.
Variant type: single nucleotide variant.
Coding change: c.1285G>C on transcript NM_000222.3 (MANE Select); coding-DNA position 1285, G replaced by C.
Protein change: p.Val429Leu; replaces valine 429 with leucine.
Molecular consequence: missense variant.
Genome position (GRCh38, 1-based): chr4:54,723,637, G>C. VCF-style: chr4-54723637-G-C. GRCh37 (hg19) VCF-style: chr4-55589803-G-C.
Other names: c.1285G>C, p.Val429Leu (NM_001093772.2, NM_001385285.1, NM_001385286.1); c.1288G>C, p.Val430Leu (NM_001385284.1, NM_001385288.1, NM_001385290.1 and 1 more transcripts); short protein forms V429L, V430L.
Identifiers: ClinVar variation 834104 (VCV000834104.10), dbSNP rs1722031307, ClinGen allele CA356905568.